The following is an entry in ClinVar:

ClinVar aggregate classification (germline): Likely benign (0 of 4 stars; one submission).

Conditions:
CSMD1-related disorder. Also called: CSMD1-related condition.

Allele frequency attached by ClinVar (database versions not stated): gnomAD 0.00002; TOPMed 0.00002.
gnomAD v4.1: 8 of 1,561,170 alleles (0.00051%); highest among the groups gnomAD compares: African/African-American, 0.0041%; no homozygotes.

Submission:

PreventionGenetics, part of Exact Sciences
Classification: Likely benign for CSMD1-related condition. Last evaluated: 2019-09-18. Review status: no assertion criteria provided. Collection method: clinical testing. Allele origin: germline.
Comment: This variant is classified as likely benign based on ACMG/AMP sequence variant interpretation guidelines (Richards et al. 2015 PMID: 25741868, with internal and published modifications).

NM_033225.6(CSMD1):c.10403-4A>G

Genes: CSMD1 (CUB and Sushi multiple domains 1; minus strand), LOC105377785 (uncharacterized LOC105377785; plus strand). Cytogenetic location: 8p23.2.
Variant type: single nucleotide variant.
Coding change: c.10403-4A>G on transcript NM_033225.6 (MANE Select); 4 bases into the intron before coding-DNA position 10403, A replaced by G.
Molecular consequence: intron variant.
Genome position (GRCh38, 1-based): chr8:2,942,608, T>C on the plus strand (A>G on the coding strand, the complement: CSMD1 is on the minus strand). VCF-style: chr8-2942608-T-C. GRCh37 (hg19) VCF-style: chr8-2800130-T-C.
Identifiers: ClinVar variation 3039975 (VCV003039975.2), dbSNP rs1019560333, ClinGen allele CA170617391.